The following is an entry in ClinVar:

NM_000051.4(ATM):c.8418+1_8418+3del

Genes: ATM (ATM serine/threonine kinase; plus strand), C11orf65 (chromosome 11 open reading frame 65; minus strand). Cytogenetic location: 11q22.3.
Variant type: Deletion.
Coding change: c.8418+1_8418+3del on transcript NM_000051.4 (MANE Select); the canonical splice donor site of the intron after coding-DNA position 8418 through 3 bases into the intron after coding-DNA position 8418, 3 bases deleted (GTG; older notation c.8418+1_8418+3delGTG).
Molecular consequence: splice donor variant. On other transcripts: intron variant (2).
Genome position (GRCh38, 1-based): chr11:108,343,372-108,343,374, GTG deleted; deleting any 3 consecutive bases within chr11:108,343,370-108,343,374 gives the same sequence; the c. name uses the placement nearest the transcript's 3' end. VCF-style (leftmost placement, unchanged base first): chr11-108343369-ATGG-A. GRCh37 (hg19) VCF-style: chr11-108214096-ATGG-A.
Other names: c.8418+1_8418+3del (NM_001351834.2); c.641-34301_641-34299del (NM_001330368.2); c.695-8080_695-8078del (NM_001351110.2).
Identifiers: ClinVar variation 1513079 (VCV001513079.9), dbSNP rs2136953867, ClinGen allele CA2573146759.

ClinVar aggregate classification (germline): Likely pathogenic. Review status: criteria provided, multiple submitters, no conflicts (2 of 4 stars). 2 submissions from 2 submitters: Likely pathogenic (2). Last evaluated 2024-02-02.

Conditions:
Ataxia-telangiectasia syndrome (AT). Also called: LOUIS-BAR SYNDROME; Cerebello-oculocutaneous telangiectasia; Immunodeficiency with ataxia telangiectasia; Ataxia telangiectasia (A-T); Ataxia-telangiectasia, complementation group D; AT, COMPLEMENTATION GROUP C. Identifiers: Orphanet 100, MedGen C0004135, MONDO:0008840, OMIM 208900.
Familial cancer of breast. Also called: BREAST CANCER, FAMILIAL; Hereditary breast cancer; hereditary breast carcinoma. Identifiers: Orphanet 227535, MedGen C0346153, MONDO:0016419, OMIM 114480. Disease mechanism: loss of function.

Submissions (2):

Myriad Genetics, Inc.
Classification: Likely pathogenic for Familial cancer of breast. Last evaluated: 2024-02-02. Review status: criteria provided, single submitter. Criteria: Myriad Autosomal Dominant, Autosomal Recessive and X-Linked Classification Criteria (2023). Collection method: clinical testing. Allele origin: unknown.
Comment: This variant is considered likely pathogenic. This variant occurs within a consensus splice junction and is predicted to result in abnormal mRNA splicing of either an out-of-frame exon or an in-frame exon necessary for protein stability and/or normal function.

Labcorp Genetics (formerly Invitae), Labcorp
Classification: Likely pathogenic for Ataxia-telangiectasia syndrome. Last evaluated: 2021-07-26. Review status: criteria provided, single submitter. Criteria: Invitae Variant Classification Sherloc (09022015). Collection method: clinical testing. Allele origin: germline.
Comment: This variant has not been reported in the literature in individuals affected with ATM-related conditions. This variant is not present in population databases (ExAC no frequency). Algorithms developed to predict the effect of sequence changes on RNA splicing suggest that this variant may disrupt the consensus splice site. In summary, the currently available evidence indicates that the variant is pathogenic, but additional data are needed to prove that conclusively. Therefore, this variant has been classified as Likely Pathogenic. This sequence change affects a splice site in intron 57 of the ATM gene. It is expected to disrupt RNA splicing. Variants that disrupt the donor or acceptor splice site typically lead to a loss of protein function (PMID: 16199547), and loss-of-function variants in ATM are known to be pathogenic (PMID: 23807571, 25614872).

Literature cited by the submitters: PubMed 16199547 (cited by Labcorp Genetics (formerly Invitae), Labcorp); PubMed 23807571 (cited by Labcorp Genetics (formerly Invitae), Labcorp); PubMed 25614872 (cited by Labcorp Genetics (formerly Invitae), Labcorp).